The following is an entry in ClinVar:

NM_014946.3(SPAST):c.1174-1del

Gene: SPAST (spastin; plus strand). Cytogenetic location: 2p22.3.
Variant type: Deletion.
Coding change: c.1174-1del on transcript NM_014946.3; the canonical splice acceptor site of the intron before coding-DNA position 1174, one base deleted (G; older notation c.1174-1delG).
Genome position (GRCh38, 1-based): chr2:32,128,408, G deleted; the last of 2 consecutive G bases (chr2:32,128,407-32,128,408); deleting either gives the same sequence. VCF-style (leftmost placement, unchanged base first): chr2-32128406-AG-A. GRCh37 (hg19) VCF-style: chr2-32353475-AG-A.
Identifiers: ClinVar variation 805505 (VCV000805505.3), dbSNP rs1573142475, ClinGen allele CA915943721.
Genomic context (GRCh38, chr2:32,128,406, plus strand): 5'-TGGTTATCTTTTAAATGTAATATATTGAACTAATTTAATATTTGCTCTTGTGATTTTTAA[AG>A]GCTAAAGCAGTAGCTGCAGAATCGAATGCAACCTTCTTTAATATAAGTGCTGCAAGTTTA-3'

ClinVar aggregate classification (germline): Pathogenic. Review status: criteria provided, multiple submitters, no conflicts (2 of 4 stars). 2 submissions from 2 submitters: Pathogenic (2). Last evaluated 2025-10-23.

Conditions:
Hereditary spastic paraplegia 4. Also called: Spastic paraplegia 4, autosomal dominant; Spastic Paraplegia 4; Familial spastic paraplegia autosomal dominant 2. Identifiers: Orphanet 100985, MedGen C1866855, MONDO:0008438, OMIM 182601.

Submissions (2):

Labcorp Genetics (formerly Invitae), Labcorp
Classification: Pathogenic for Hereditary spastic paraplegia 4. Last evaluated: 2025-10-23. Review status: criteria provided, single submitter. Criteria: Invitae Variant Classification Sherloc (09022015). Collection method: clinical testing. Allele origin: germline.
Comment: This sequence change creates a premature translational stop signal (p.Ala392Leufs*4) in the SPAST gene. It is expected to result in an absent or disrupted protein product. Loss-of-function variants in SPAST are known to be pathogenic (PMID: 20932283). This variant is not present in population databases (gnomAD no frequency). This premature translational stop signal has been observed in individual(s) with hereditary spastic paraplegia (PMID: 10699187). This variant is also known as 1299delG. ClinVar contains an entry for this variant (Variation ID: 805505). Algorithms developed to predict the effect of sequence changes on RNA splicing suggest that this variant may disrupt the consensus splice site. For these reasons, this variant has been classified as Pathogenic.

Athena Diagnostics
Classification: Pathogenic. Last evaluated: 2018-09-20. Review status: criteria provided, single submitter. Criteria: Athena Diagnostics Criteria. Collection method: clinical testing. Allele origin: germline.
Comment: The variant disrupts a canonical splice site, and is therefore predicted to significantly disrupt the protein structure. Found in at least one symptomatic patient, and not found in general population data.

Literature cited by the submitters: PubMed 20932283 (cited by Labcorp Genetics (formerly Invitae), Labcorp); PubMed 10699187 (cited by Labcorp Genetics (formerly Invitae), Labcorp and Athena Diagnostics); PubMed 12124993 (cited by Athena Diagnostics); PubMed 20562464 (cited by Athena Diagnostics).